The following is an entry in ClinVar:

ClinVar aggregate classification (germline): Uncertain significance. Review status: criteria provided, multiple submitters, no conflicts (2 of 4 stars). 2 submissions from 2 submitters: Uncertain significance (2). Last evaluated 2026-01-18.

Conditions:
Dyskeratosis congenita. Identifiers: Orphanet 1775, MedGen C0265965, MONDO:0015780.
Idiopathic Pulmonary Fibrosis. Also called: Idiopathic fibrosing alveolitis, chronic form; idiopathic fibrosing alveolitis. Identifiers: Orphanet 2032, MedGen C1800706, MeSH D054990, MONDO:0800504.
Dyskeratosis congenita, autosomal dominant 2. Identifiers: MedGen C3151443, MONDO:0013521, OMIM 613989.

Submissions (2):

Ambry Genetics
Classification: Uncertain significance for Dyskeratosis congenita. Last evaluated: 2026-01-18. Review status: criteria provided, single submitter. Criteria: Ambry Variant Classification Scheme 2023. Collection method: clinical testing. Allele origin: germline.
Comment: The p.G916D variant (also known as c.2747G>A), located in coding exon 11 of the TERT gene, results from a G to A substitution at nucleotide position 2747. The glycine at codon 916 is replaced by aspartic acid, an amino acid with similar properties. This amino acid position is conserved. In addition, this alteration is predicted to be tolerated by in silico analysis. Based on the available evidence, the clinical significance of this variant remains unclear.

Labcorp Genetics (formerly Invitae), Labcorp
Classification: Uncertain significance for Dyskeratosis congenita, autosomal dominant 2; Idiopathic Pulmonary Fibrosis. Last evaluated: 2023-10-03. Review status: criteria provided, single submitter. Criteria: Invitae Variant Classification Sherloc (09022015). Collection method: clinical testing. Allele origin: germline.
Comment: This sequence change replaces glycine, which is neutral and non-polar, with aspartic acid, which is acidic and polar, at codon 916 of the TERT protein (p.Gly916Asp). This variant is not present in population databases (gnomAD no frequency). This variant has not been reported in the literature in individuals affected with TERT-related conditions. ClinVar contains an entry for this variant (Variation ID: 1522203). Advanced modeling of protein sequence and biophysical properties (such as structural, functional, and spatial information, amino acid conservation, physicochemical variation, residue mobility, and thermodynamic stability) performed at Invitae indicates that this missense variant is not expected to disrupt TERT protein function. In summary, the available evidence is currently insufficient to determine the role of this variant in disease. Therefore, it has been classified as a Variant of Uncertain Significance.

NM_198253.3(TERT):c.2747G>A (p.Gly916Asp)

Gene: TERT (telomerase reverse transcriptase; minus strand). Cytogenetic location: 5p15.33.
Variant type: single nucleotide variant.
Coding change: c.2747G>A on transcript NM_198253.3 (MANE Select); coding-DNA position 2747, G replaced by A.
Protein change: p.Gly916Asp; replaces glycine 916 with aspartic acid.
Molecular consequence: missense variant. On other transcripts: intron variant (1).
Genome position (GRCh38, 1-based): chr5:1,264,500, C>T on the plus strand (G>A on the coding strand, the complement: TERT is on the minus strand). VCF-style: chr5-1264500-C-T. GRCh37 (hg19) VCF-style: chr5-1264615-C-T.
Other names: c.2654+1964G>A (NM_001193376.3); c.2747G>A (NM_198253.2); short protein forms G916D.
Identifiers: ClinVar variation 1522203 (VCV001522203.7), dbSNP rs2126595048, ClinGen allele CA359071918.